The following is an entry in ClinVar:

NM_000090.4(COL3A1):c.3460dup (p.Ser1154fs)

Gene: COL3A1 (collagen type III alpha 1 chain; plus strand). Cytogenetic location: 2q32.2.
Variant type: Duplication.
Coding change: c.3460dup on transcript NM_000090.4 (MANE Select); coding-DNA position 3460, one base duplicated (A; older notation c.3460dupA).
Protein change: p.Ser1154fs; shifts the reading frame from serine 1154.
Molecular consequence: frameshift variant.
Genome position (GRCh38, 1-based): chr2:189,008,077, A duplicated. VCF-style (leftmost placement, unchanged base first): chr2-189008076-C-CA. GRCh37 (hg19) VCF-style: chr2-189872802-C-CA.
Other names: c.3460dupA (NM_000090.3); short protein forms S1154fs.
Identifiers: ClinVar variation 1413452 (VCV001413452.10), dbSNP rs2153503975, ClinGen allele CA2573134225.

ClinVar aggregate classification (germline): Pathogenic. Review status: criteria provided, multiple submitters, no conflicts (2 of 4 stars). 4 submissions from 4 submitters: Pathogenic (4). Last evaluated 2024-10-07.

Conditions:
Ehlers-Danlos syndrome, type 4 (EDSVASC). Also called: Ehlers-Danlos syndrome vascular type; Ehlers Danlos syndrome, ecchymotic type; Ehlers Danlos syndrome, arterial type; Ehlers Danlos syndrome, Sack-Barabas type; Ehlers-Danlos Syndrome Type IV. Identifiers: Orphanet 286, MedGen C0268338, MONDO:0017314, OMIM 130050.
Familial thoracic aortic aneurysm and aortic dissection (TAAD). Also called: Thoracic aortic aneurysms and dissections. Identifiers: Orphanet 91387, MedGen C4707243, MONDO:0019625.

Submissions (4):

Ambry Genetics
Classification: Pathogenic for Familial thoracic aortic aneurysm and aortic dissection. Last evaluated: 2024-10-07. Review status: criteria provided, single submitter. Criteria: Ambry Variant Classification Scheme 2023. Collection method: clinical testing. Allele origin: germline.
Comment: The c.3460dupA pathogenic mutation, located in coding exon 47 of the COL3A1 gene, results from a duplication of A at nucleotide position 3460, causing a translational frameshift with a predicted alternate stop codon (p.S1154Kfs*15). This variant is considered to be rare based on population cohorts in the Genome Aggregation Database (gnomAD). This alteration is expected to result in loss of function by premature protein truncation or nonsense-mediated mRNA decay. As such, this alteration is interpreted as a disease-causing mutation.

All of Us Research Program, National Institutes of Health
Classification: Pathogenic for Ehlers-Danlos syndrome, type 4. Last evaluated: 2023-08-28. Review status: criteria provided, single submitter. Criteria: ACMG Guidelines, 2015. Collection method: clinical testing. Allele origin: germline. Inheritance: Autosomal dominant inheritance. Observed: 1 variant allele, 1 heterozygote.
Comment: This variant inserts 1 nucleotide in exon 47 of the COL3A1 gene, creating a frameshift and premature translation stop signal. This variant is expected to result in an absent or non-functional protein product. To our knowledge, this variant has not been reported in individuals affected with COL3A1-related disorders in the literature. This variant has not been identified in the general population by the Genome Aggregation Database (gnomAD). Loss of COL3A1 function is a known mechanism of disease. Based on the available evidence, this variant is classified as Pathogenic.

This study involves interpretation of variants in research participants for the purpose of population health screening. Participant phenotype was not available at the time of variant classification. Additional details can be found in publication PMID: 35346344, PMCID: PMC8962531

Color Diagnostics, LLC DBA Color Health
Classification: Pathogenic for Familial thoracic aortic aneurysm and aortic dissection. Last evaluated: 2023-07-06. Review status: criteria provided, single submitter. Criteria: ACMG Guidelines, 2015. Collection method: clinical testing. Allele origin: germline.
Comment: This variant inserts 1 nucleotide in exon 47 of the COL3A1 gene, creating a frameshift and premature translation stop signal. This variant is expected to result in an absent or non-functional protein product. To our knowledge, this variant has not been reported in individuals affected with COL3A1-related disorders in the literature. This variant has not been identified in the general population by the Genome Aggregation Database (gnomAD). Loss of COL3A1 function is a known mechanism of disease. Based on the available evidence, this variant is classified as Pathogenic.

Labcorp Genetics (formerly Invitae), Labcorp
Classification: Pathogenic for Ehlers-Danlos syndrome, type 4. Last evaluated: 2022-09-29. Review status: criteria provided, single submitter. Criteria: Invitae Variant Classification Sherloc (09022015). Collection method: clinical testing. Allele origin: germline.
Comment: For these reasons, this variant has been classified as Pathogenic. ClinVar contains an entry for this variant (Variation ID: 1413452). This variant has not been reported in the literature in individuals affected with COL3A1-related conditions. This variant is not present in population databases (gnomAD no frequency). This sequence change creates a premature translational stop signal (p.Ser1154Lysfs*15) in the COL3A1 gene. It is expected to result in an absent or disrupted protein product. Loss-of-function variants in COL3A1 are known to be pathogenic (PMID: 24922459).

Literature cited by the submitters: PubMed 24922459 (cited by Labcorp Genetics (formerly Invitae), Labcorp).